The following is an entry in ClinVar:

NM_014804.3(KIAA0753):c.2173-2A>G

Gene: KIAA0753 (KIAA0753; minus strand). Cytogenetic location: 17p13.1.
Variant type: single nucleotide variant.
Coding change: c.2173-2A>G on transcript NM_014804.3 (MANE Select); the canonical splice acceptor site of the intron before coding-DNA position 2173, A replaced by G.
Molecular consequence: splice acceptor variant.
Genome position (GRCh38, 1-based): chr17:6,596,345, T>C on the plus strand (A>G on the coding strand, the complement: KIAA0753 is on the minus strand). VCF-style: chr17-6596345-T-C. GRCh37 (hg19) VCF-style: chr17-6499665-T-C.
Other names: c.1276-2A>G (NM_001351225.2).
Identifiers: ClinVar variation 1910257 (VCV001910257.5), dbSNP rs1969484465, ClinGen allele CA397405905.

ClinVar aggregate classification (germline): Likely pathogenic (1 of 4 stars; one submission).

Allele frequency attached by ClinVar (database versions not stated): gnomAD exomes below 0.00001; TOPMed below 0.00001.
gnomAD v4.1: 2 of 1,344,536 alleles (0.00015%); highest among the groups gnomAD compares: Non-Finnish European, 0.0001%; no homozygotes.

Submission:

Labcorp Genetics (formerly Invitae), Labcorp
Classification: Likely pathogenic. Last evaluated: 2022-07-19. Review status: criteria provided, single submitter. Criteria: Invitae Variant Classification Sherloc (09022015). Collection method: clinical testing. Allele origin: germline.
Comment: This sequence change affects an acceptor splice site in intron 14 of the KIAA0753 gene. It is expected to disrupt RNA splicing. Variants that disrupt the donor or acceptor splice site typically lead to a loss of protein function (PMID: 16199547), and loss-of-function variants in KIAA0753 are known to be pathogenic (PMID: 29138412). In summary, the currently available evidence indicates that the variant is pathogenic, but additional data are needed to prove that conclusively. Therefore, this variant has been classified as Likely Pathogenic. Algorithms developed to predict the effect of sequence changes on RNA splicing suggest that this variant may disrupt the consensus splice site. This variant has not been reported in the literature in individuals affected with KIAA0753-related conditions. This variant is not present in population databases (gnomAD no frequency).

Literature cited by the submitters: PubMed 16199547; PubMed 29138412.